The following is an entry in ClinVar:

ClinVar aggregate classification (germline): Uncertain significance (1 of 4 stars; one submission).

gnomAD v4.1: 26 of 1,590,924 alleles (0.0016%); highest among the groups gnomAD compares: South Asian, 0.03%; no homozygotes.

Submission:

CeGaT Center for Human Genetics Tuebingen
Classification: Uncertain significance. Last evaluated: 2026-01-01. Review status: criteria provided, single submitter. Criteria: CeGaT Center For Human Genetics Tuebingen Variant Classification Criteria Version 2. Collection method: clinical testing. Allele origin: germline. Affected: yes. Observed: 1 variant allele.
Comment: SHOC1: PM2, BP4

NM_001378211.1(SHOC1):c.858A>T (p.Glu286Asp)

Gene: SHOC1 (shortage in chiasmata 1; minus strand). Cytogenetic location: 9q31.3.
Variant type: single nucleotide variant.
Coding change: c.858A>T on transcript NM_001378211.1 (MANE Select); coding-DNA position 858, A replaced by T.
Protein change: p.Glu286Asp; replaces glutamic acid 286 with aspartic acid.
Molecular consequence: missense variant. On other transcripts: non-coding transcript variant (1).
Genome position (GRCh38, 1-based): chr9:111,756,329, T>A on the plus strand (A>T on the coding strand, the complement: SHOC1 is on the minus strand). VCF-style: chr9-111756329-T-A. GRCh37 (hg19) VCF-style: chr9-114518609-T-A.
Other names: c.549A>T, p.Glu183Asp (NM_001080551.3, NM_001378212.1); c.666A>T, p.Glu222Asp (NM_173521.5); short protein forms E183D, E222D, E286D.
Identifiers: ClinVar variation 4822821 (VCV004822821.4).